The following is an entry in ClinVar:

ClinVar aggregate classification (germline): Uncertain significance (1 of 4 stars; one submission).

Conditions:
Hereditary cancer-predisposing syndrome. Also called: Hereditary neoplastic syndrome; Hereditary Cancer Syndrome; Neoplastic Syndromes, Hereditary; Tumor predisposition. Identifiers: Orphanet 140162, MedGen C0027672, MeSH D009386, MONDO:0015356.

Submission:

Color Diagnostics, LLC DBA Color Health
Classification: Uncertain significance for Hereditary cancer-predisposing syndrome. Last evaluated: 2023-03-06. Review status: criteria provided, single submitter. Criteria: ACMG Guidelines, 2015. Collection method: clinical testing. Allele origin: germline.
Comment: This missense variant replaces valine with glycine at codon 410 of the PALB2 protein. Computational prediction is inconclusive regarding the impact of this variant on protein structure and function (internally defined REVEL score threshold 0.5 < inconclusive < 0.7, PMID: 27666373). To our knowledge, functional studies have not been reported for this variant. This variant has not been reported in individuals affected with PALB2-related disorders in the literature. This variant has not been identified in the general population by the Genome Aggregation Database (gnomAD). The available evidence is insufficient to determine the role of this variant in disease conclusively. Therefore, this variant is classified as a Variant of Uncertain Significance.

NM_024675.4(PALB2):c.1229T>G (p.Val410Gly)

Gene: PALB2 (partner and localizer of BRCA2; minus strand). Cytogenetic location: 16p12.2.
Variant type: single nucleotide variant.
Coding change: c.1229T>G on transcript NM_024675.4 (MANE Select); coding-DNA position 1229, T replaced by G.
Protein change: p.Val410Gly; replaces valine 410 with glycine.
Molecular consequence: missense variant. On other transcripts: intron variant (3).
Genome position (GRCh38, 1-based): chr16:23,635,317, A>C on the plus strand (T>G on the coding strand, the complement: PALB2 is on the minus strand). VCF-style: chr16-23635317-A-C. GRCh37 (hg19) VCF-style: chr16-23646638-A-C.
Other names: c.1169T>G, p.Val390Gly (NM_001407296.1); c.1229T>G, p.Val410Gly (NM_001407297.1, NM_001407298.1, NM_001407299.1 and 3 more transcripts); c.344T>G, p.Val115Gly (NM_001407304.1, NM_001407305.1, NM_001407306.1 and 5 more transcripts); c.48+5793T>G (NM_001407314.1); c.-104-4848T>G (NM_001407313.1, NM_001407312.1); short protein forms V115G, V390G, V410G.
Identifiers: ClinVar variation 2774016 (VCV002774016.2), dbSNP rs2142422111, ClinGen allele CA395133043.
Genomic context (GRCh38, chr16:23,635,317, plus strand): 5'-TGAATGACAGCCTCCACGGCTACTTTCCTCTGGCAATTGGACATGCTTCGTGTTGTTCTA[A>C]CATAATATTCTGCAGGAAACAGAAGGCCTTCAGGCACTGTGCAAGAATGTTTTTCTGCAG-3'
Protein context (NP_078951.2, residues 400-420): EGLLFPAEYY[Val410Gly]RTTRSMSNCQ